The following is an entry in ClinVar:

ClinVar aggregate classification (germline): Conflicting classifications of pathogenicity. Review status: criteria provided, conflicting classifications (1 of 4 stars). 4 submissions from 4 submitters: Likely pathogenic (1); Uncertain significance (3). Last evaluated 2026-05-18.

Conditions:
Skeletal muscle channelopathy.
Hypokalemic periodic paralysis, type 2 (HOKPP2). Identifiers: Orphanet 681, MedGen C2750061, MONDO:0013234, OMIM 613345.
Hyperkalemic periodic paralysis. Also called: Familial hyperkalemic periodic paralysis; Gamstorp disease. Identifiers: Orphanet 682, MedGen C0238357, MONDO:0008224, OMIM 170500, HP:0007215.
Potassium-aggravated myotonia. Also called: MYOTONIA CONGENITA, ACETAZOLAMIDE-RESPONSIVE; MYOTONIA CONGENITA, ATYPICAL; SODIUM CHANNEL MUSCLE DISEASE; Myotonia congenita, atypical, acetazolamide-responsive. Identifiers: Orphanet 612, Orphanet 99734, Orphanet 99735, Orphanet 99736, MedGen C2931826, MONDO:0018959, OMIM 608390.
Congenital myasthenic syndrome 16. Identifiers: Orphanet 590, MedGen C3280112, MONDO:0013620, OMIM 614198.
Paramyotonia congenita of Von Eulenburg. Also called: Paramyotonia Congenita; Eulenburg disease; Myotonia congenita intermittens; Von Eulenburg paramyotonia congenita; PARALYSIS PERIODICA PARAMYOTONICA. Identifiers: Orphanet 684, MedGen C0221055, MONDO:0008195, OMIM 168300. Disease mechanism: loss of function.
Congenital myopathy 22A, classic (CMYO22A). Identifiers: MedGen C5830453, MONDO:0957247, OMIM 620351.
Congenital myopathy 22B, severe fetal (CMYO22B). Identifiers: MedGen C5830501, MONDO:0957265, OMIM 620369.

gnomAD v4.1: 7 of 1,613,880 alleles (0.00043%); highest among the groups gnomAD compares: South Asian, 0.0055%; no homozygotes.

Submissions (4):

Genetics Laboratory, Great Ormond Street Hospital NHS Foundation Trust, North Thames Genomic Laboratory Hub
Classification: Likely pathogenic for Skeletal muscle channelopathy. Last evaluated: 2026-05-18. Review status: criteria provided, single submitter. Criteria: ACGS Best Practice Guidelines for Variant Classification in Rare Disease 2024 v1.2. Collection method: clinical testing. Allele origin: germline. Affected: yes.
Comment: PP3_supporting, PM5_moderate, PM1_moderate, PP1_supporting, PP4_supporting

Labcorp Genetics (formerly Invitae), Labcorp
Classification: Uncertain significance for Hyperkalemic periodic paralysis. Last evaluated: 2026-01-19. Review status: criteria provided, single submitter. Criteria: Invitae Variant Classification Sherloc (09022015). Collection method: clinical testing. Allele origin: germline.
Comment: This sequence change replaces alanine, which is neutral and non-polar, with serine, which is neutral and polar, at codon 1156 of the SCN4A protein (p.Ala1156Ser). This variant is present in population databases (rs80338958, gnomAD 0.01%). This missense change has been observed in individual(s) with autosomal dominant sodium-channel myotonia and/or clinical features of myotonia congenita (PMID: 32849172; internal data). It has also been observed to segregate with disease in related individuals. ClinVar contains an entry for this variant (Variation ID: 448274). Invitae Evidence Modeling of protein sequence and biophysical properties (such as structural, functional, and spatial information, amino acid conservation, physicochemical variation, residue mobility, and thermodynamic stability) has been performed for this missense variant. However, the output from this modeling did not meet the statistical confidence thresholds required to predict the impact of this variant on SCN4A protein function. This variant disrupts the p.Ala1156 amino acid residue in SCN4A. Other variant(s) that disrupt this residue have been determined to be pathogenic (PMID: 1338909, 7809121, 28330959). This suggests that this residue is clinically significant, and that variants that disrupt this residue are likely to be disease-causing. In summary, the available evidence is currently insufficient to determine the role of this variant in disease. Therefore, it has been classified as a Variant of Uncertain Significance.

Fulgent Genetics
Classification: Uncertain significance for Paramyotonia congenita of Von Eulenburg; Hyperkalemic periodic paralysis; Potassium-aggravated myotonia; Hypokalemic periodic paralysis, type 2; Congenital myasthenic syndrome 16; Congenital myopathy 22A, classic; Congenital myopathy 22B, severe fetal. Last evaluated: 2024-02-09. Review status: criteria provided, single submitter. Criteria: ACMG Guidelines, 2015. Collection method: clinical testing. Allele origin: germline.

Athena Diagnostics
Classification: Uncertain significance. Last evaluated: 2018-07-02. Review status: criteria provided, single submitter. Criteria: Athena Diagnostics Criteria. Collection method: clinical testing. Allele origin: germline.

Literature cited by the submitters: PubMed 32849172 (cited by Labcorp Genetics (formerly Invitae), Labcorp); PubMed 1338909 (cited by Labcorp Genetics (formerly Invitae), Labcorp); PubMed 7809121 (cited by Labcorp Genetics (formerly Invitae), Labcorp); PubMed 28330959 (cited by Labcorp Genetics (formerly Invitae), Labcorp).

NM_000334.4(SCN4A):c.3466G>T (p.Ala1156Ser)

Genes: GH-LCR (growth hormone locus control region; plus strand), SCN4A (sodium voltage-gated channel alpha subunit 4; minus strand). Cytogenetic location: 17q23.3.
Variant type: single nucleotide variant.
Coding change: c.3466G>T on transcript NM_000334.4 (MANE Select); coding-DNA position 3466, G replaced by T.
Protein change: p.Ala1156Ser; replaces alanine 1156 with serine.
Molecular consequence: missense variant.
Genome position (GRCh38, 1-based): chr17:63,945,614, C>A on the plus strand (G>T on the coding strand, the complement: SCN4A is on the minus strand). VCF-style: chr17-63945614-C-A. GRCh37 (hg19) VCF-style: chr17-62022974-C-A.
Other names: short protein forms A1156S.
Identifiers: ClinVar variation 448274 (VCV000448274.7), dbSNP rs80338958, ClinGen allele CA8709250.
Genomic context (GRCh38, chr17:63,945,614, plus strand): 5'-TGCTGAAGATCAGCCAGAAGATGAGGCAGACAAGCAGCACATTCATGATGGAGGGGATGG[C>A]GCCTAGGAGGGCGTTCACCACCACCTGGGGGCCAGGGGGTCCATTGCCAGTGCCTCTCCC-3'
Protein context (NP_000325.4, residues 1146-1166): MRVVVNALLG[Ala1156Ser]IPSIMNVLLV